The following is an entry in ClinVar:

NM_001737.5(C9):c.646C>T (p.His216Tyr)

Gene: C9 (complement C9; minus strand). Cytogenetic location: 5p13.1.
Variant type: single nucleotide variant.
Coding change: c.646C>T on transcript NM_001737.5 (MANE Select); coding-DNA position 646, C replaced by T.
Protein change: p.His216Tyr; replaces histidine 216 with tyrosine.
Molecular consequence: missense variant.
Genome position (GRCh38, 1-based): chr5:39,315,999, G>A on the plus strand (C>T on the coding strand, the complement: C9 is on the minus strand). VCF-style: chr5-39315999-G-A. GRCh37 (hg19) VCF-style: chr5-39316101-G-A.
Other names: short protein forms H216Y.
Identifiers: ClinVar variation 1491668 (VCV001491668.6), dbSNP rs1221602984, ClinGen allele CA359559369.
Genomic context (GRCh38, chr5:39,315,999, plus strand): 5'-TAAAATTTGATGTCTTCTCTTGGATGATACTTTTAAATGCTTCAATTTGTTCTTCGTAAT[G>A]TTCGGTTCTGAAATTTTTCTCGCCTTTGGTCTAAAAGAGAATAAAAAAGTGTTGTTAAAA-3'
Protein context (NP_001728.1, residues 206-226): TKGEKNFRTE[His216Tyr]YEEQIEAFKS

ClinVar aggregate classification (germline): Uncertain significance (1 of 4 stars; one submission).

Allele frequency attached by ClinVar (database versions not stated): gnomAD exomes below 0.00001; TOPMed below 0.00001; gnomAD 0.00001.

Submission:

Labcorp Genetics (formerly Invitae), Labcorp
Classification: Uncertain significance. Last evaluated: 2021-09-19. Review status: criteria provided, single submitter. Criteria: Invitae Variant Classification Sherloc (09022015). Collection method: clinical testing. Allele origin: germline.
Comment: This sequence change replaces histidine with tyrosine at codon 216 of the C9 protein (p.His216Tyr). The histidine residue is weakly conserved and there is a moderate physicochemical difference between histidine and tyrosine. This variant is not present in population databases (ExAC no frequency). This variant has not been reported in the literature in individuals affected with C9-related conditions. Algorithms developed to predict the effect of missense changes on protein structure and function output the following: SIFT: "Not Available"; PolyPhen-2: "Benign"; Align-GVGD: "Not Available". The tyrosine amino acid residue is found in multiple mammalian species, which suggests that this missense change does not adversely affect protein function. In summary, the available evidence is currently insufficient to determine the role of this variant in disease. Therefore, it has been classified as a Variant of Uncertain Significance.